The following is an entry in ClinVar:

ClinVar aggregate classification (germline): Uncertain significance. Review status: criteria provided, multiple submitters, no conflicts (2 of 4 stars). 2 submissions from 2 submitters: Uncertain significance (2). Last evaluated 2025-11-13.

Conditions:
Inborn genetic diseases. Identifiers: MedGen C0950123, MeSH D030342.

Submissions (2):

Ambry Genetics
Classification: Uncertain significance for Inborn genetic diseases. Last evaluated: 2025-11-13. Review status: criteria provided, single submitter. Criteria: Ambry Variant Classification Scheme 2023. Collection method: clinical testing. Allele origin: germline.

GeneDx
Classification: Uncertain significance. Last evaluated: 2022-06-01. Review status: criteria provided, single submitter. Criteria: GeneDx Variant Classification Process June 2021. Collection method: clinical testing. Allele origin: germline. Affected: yes.
Comment: Has not been previously published as pathogenic or benign to our knowledge; Not observed at significant frequency in large population cohorts (gnomAD); In silico analysis supports that this missense variant has a deleterious effect on protein structure/function

NM_002860.4(ALDH18A1):c.1606G>A (p.Val536Met)

Gene: ALDH18A1 (aldehyde dehydrogenase 18 family member A1; minus strand). Cytogenetic location: 10q24.1.
Variant type: single nucleotide variant.
Coding change: c.1606G>A on transcript NM_002860.4 (MANE Select); coding-DNA position 1606, G replaced by A.
Protein change: p.Val536Met; replaces valine 536 with methionine.
Molecular consequence: missense variant.
Genome position (GRCh38, 1-based): chr10:95,614,161, C>T on the plus strand (G>A on the coding strand, the complement: ALDH18A1 is on the minus strand). VCF-style: chr10-95614161-C-T. GRCh37 (hg19) VCF-style: chr10-97373918-C-T.
Other names: c.1600G>A, p.Val534Met (NM_001017423.2, NM_001323415.2); c.1273G>A, p.Val425Met (NM_001323412.2, NM_001323416.2); c.1606G>A, p.Val536Met (NM_001323413.2, NM_001323414.2); c.1501G>A, p.Val501Met (NM_001323417.2); c.1267G>A, p.Val423Met (NM_001323418.2); c.970G>A, p.Val324Met (NM_001323419.2); short protein forms V324M, V423M, V425M, V501M, V534M, V536M.
Identifiers: ClinVar variation 1802071 (VCV001802071.2), dbSNP rs2526730811, ClinGen allele CA377700913.